The following is an entry in ClinVar:

ClinVar aggregate classification (germline): Uncertain significance (1 of 4 stars; one submission).

Conditions:
Spastic paraplegia. Identifiers: MedGen C0037772, HP:0001258.

gnomAD v4.1: 2 of 1,613,432 alleles (0.00012%); highest among the groups gnomAD compares: Non-Finnish European, 0.00017%; no homozygotes.

Submission:

Labcorp Genetics (formerly Invitae), Labcorp
Classification: Uncertain significance for Spastic paraplegia. Last evaluated: 2022-08-22. Review status: criteria provided, single submitter. Criteria: Invitae Variant Classification Sherloc (09022015). Collection method: clinical testing. Allele origin: germline.
Comment: In summary, the available evidence is currently insufficient to determine the role of this variant in disease. Therefore, it has been classified as a Variant of Uncertain Significance. Advanced modeling of protein sequence and biophysical properties (such as structural, functional, and spatial information, amino acid conservation, physicochemical variation, residue mobility, and thermodynamic stability) performed at Invitae indicates that this missense variant is not expected to disrupt CYP2U1 protein function. This variant has not been reported in the literature in individuals affected with CYP2U1-related conditions. This variant is not present in population databases (gnomAD no frequency). This sequence change replaces histidine, which is basic and polar, with aspartic acid, which is acidic and polar, at codon 182 of the CYP2U1 protein (p.His182Asp).

NM_183075.3(CYP2U1):c.544C>G (p.His182Asp)

Gene: CYP2U1 (cytochrome P450 family 2 subfamily U member 1; plus strand). Cytogenetic location: 4q25.
Variant type: single nucleotide variant.
Coding change: c.544C>G on transcript NM_183075.3 (MANE Select); coding-DNA position 544, C replaced by G.
Protein change: p.His182Asp; replaces histidine 182 with aspartic acid.
Molecular consequence: missense variant.
Genome position (GRCh38, 1-based): chr4:107,945,023, C>G. VCF-style: chr4-107945023-C-G. GRCh37 (hg19) VCF-style: chr4-108866179-C-G.
Other names: short protein forms H182D.
Identifiers: ClinVar variation 2419480 (VCV002419480.5), dbSNP rs754117744, ClinGen allele CA357836400.
Genomic context (GRCh38, chr4:107,945,023, plus strand): 5'-TTTGCAGGGGTTGTGTTTGCACATTATGGTCCCGTCTGGAGACAACAAAGGAAGTTCTCT[C>G]ATTCAACTCTTCGTCATTTTGGGTTGGGAAAACTTAGCTTGGAGCCCAAGATTATTGAGG-3'
Protein context (NP_898898.1, residues 172-192): PVWRQQRKFS[His182Asp]STLRHFGLGK